The following is an entry in ClinVar:

ClinVar aggregate classification (germline): Likely benign (1 of 4 stars; one submission).

Submission:

CeGaT Center for Human Genetics Tuebingen
Classification: Likely benign. Last evaluated: 2022-07-01. Review status: criteria provided, single submitter. Criteria: CeGaT Center For Human Genetics Tuebingen Variant Classification Criteria Version 2. Collection method: clinical testing. Allele origin: germline. Affected: yes. Observed: 1 variant allele.
Comment: MBTPS2: PM2:Supporting, BP4, BP7

NM_015884.4(MBTPS2):c.1026T>C (p.Asp342=)

Gene: MBTPS2 (membrane bound transcription factor peptidase, site 2; plus strand). Cytogenetic location: Xp22.12.
Variant type: single nucleotide variant.
Coding change: c.1026T>C on transcript NM_015884.4 (MANE Select); coding-DNA position 1026, T replaced by C.
Protein change: p.Asp342=; no amino-acid change (aspartic acid 342 retained).
Molecular consequence: synonymous variant.
Genome position (GRCh38, 1-based): chrX:21,878,097, T>C. VCF-style: chrX-21878097-T-C. GRCh37 (hg19) VCF-style: chrX-21896215-T-C.
Identifiers: ClinVar variation 2660155 (VCV002660155.24), dbSNP rs2519588108, ClinGen allele CA515422762.